The following is an entry in ClinVar:

ClinVar aggregate classification (germline): Pathogenic (1 of 4 stars; one submission).

Conditions:
DICER1-related tumor predisposition. Also called: DICER1-related pleuropulmonary blastoma cancer predisposition syndrome; DICER1 syndrome. Identifiers: Orphanet 284343, MedGen C3839822, MONDO:0100216.

Submission:

Labcorp Genetics (formerly Invitae), Labcorp
Classification: Pathogenic for DICER1-related tumor predisposition. Last evaluated: 2022-05-16. Review status: criteria provided, single submitter. Criteria: Invitae Variant Classification Sherloc (09022015). Collection method: clinical testing. Allele origin: germline.
Comment: For these reasons, this variant has been classified as Pathogenic. This sequence change creates a premature translational stop signal (p.Thr1698Tyrfs*3) in the DICER1 gene. It is expected to result in an absent or disrupted protein product. Loss-of-function variants in DICER1 are known to be pathogenic (PMID: 19556464, 21266384). This variant is not present in population databases (gnomAD no frequency). This variant has not been reported in the literature in individuals affected with DICER1-related conditions.

Literature cited by the submitters: PubMed 19556464; PubMed 21266384.

NM_177438.3(DICER1):c.5088_5091dup (p.Thr1698fs)

Gene: DICER1 (dicer 1, ribonuclease III; minus strand). Cytogenetic location: 14q32.13.
Variant type: Duplication.
Coding change: c.5088_5091dup on transcript NM_177438.3 (MANE Select); coding-DNA positions 5088 to 5091, 4 bases duplicated (TATC; older notation c.5088_5091dupTATC).
Protein change: p.Thr1698fs; shifts the reading frame from threonine 1698.
Molecular consequence: frameshift variant. On other transcripts: non-coding transcript variant (6).
Genome position (GRCh38, 1-based): chr14:95,095,829-95,095,832, GATA duplicated on the plus strand (TATC on the coding strand, the reverse complement: DICER1 is on the minus strand); duplicating any 4 consecutive bases within chr14:95,095,829-95,095,833 gives the same sequence; the c. name uses the placement nearest the transcript's 3' end. VCF-style (leftmost placement, unchanged base first): chr14-95095828-T-TGATA. GRCh37 (hg19) VCF-style: chr14-95562165-T-TGATA.
Other names: c.5088_5091dup, p.Thr1698fs (NM_001195573.1, NM_001271282.3, NM_001291628.2 and 12 more transcripts); c.5087_5090dup, p.Thr1698Tyrfs (NM_001395681.1); c.4806_4809dup, p.Thr1604fs (NM_001395686.1); c.4683_4686dup, p.Thr1563fs (NM_001395687.1, NM_001395696.1, NM_001395688.1 and 2 more transcripts); c.3405_3408dup, p.Thr1137fs (NM_001395697.1); c.4521_4524dup, p.Thr1509fs (NM_001395691.1); short protein forms T1137fs, T1604fs, T1563fs, T1509fs, T1698fs.
Identifiers: ClinVar variation 1995031 (VCV001995031.4), dbSNP rs2542475308, ClinGen allele CA2580088943.